The following is an entry in ClinVar:

NM_001128840.3(CACNA1D):c.1636A>C (p.Asn546His)

Gene: CACNA1D (calcium voltage-gated channel subunit alpha1 D; plus strand). Cytogenetic location: 3p21.1.
Variant type: single nucleotide variant.
Coding change: c.1636A>C on transcript NM_001128840.3 (MANE Select); coding-DNA position 1636, A replaced by C.
Protein change: p.Asn546His; replaces asparagine 546 with histidine.
Molecular consequence: missense variant.
Genome position (GRCh38, 1-based): chr3:53,722,444, A>C. VCF-style: chr3-53722444-A-C. GRCh37 (hg19) VCF-style: chr3-53756471-A-C.
Other names: c.1696A>C, p.Asn566His (NM_000720.4); c.1636A>C, p.Asn546His (NM_001128839.3); c.1696A>C (NM_000720.3); short protein forms N546H, N566H.
Identifiers: ClinVar variation 2104617 (VCV002104617.5), dbSNP rs1389505041, ClinGen allele CA353236586.

ClinVar aggregate classification (germline): Uncertain significance. Review status: criteria provided, multiple submitters, no conflicts (2 of 4 stars). 2 submissions from 2 submitters: Uncertain significance (2). Last evaluated 2026-06-10.

Conditions:
CACNA1D-related disorder.

Allele frequency attached by ClinVar (database versions not stated): gnomAD exomes below 0.00001; gnomAD 0.00001; TOPMed 0.00001.
gnomAD v4.1: 3 of 1,614,094 alleles (0.00019%); highest among the groups gnomAD compares: African/African-American, 0.004%; no homozygotes.

Submissions (2):

PreventionGenetics, part of Exact Sciences
Classification: Uncertain significance for CACNA1D-related condition. Last evaluated: 2026-06-10. Review status: criteria provided, single submitter. Criteria: ACMG Guidelines, 2015. Collection method: clinical testing. Allele origin: germline.
Comment: The CACNA1D c.1696A>C variant is predicted to result in the amino acid substitution p.Asn566His. To our knowledge, this variant has not been reported in the literature or in a large population database (gnomAD), indicating this variant is rare and is interpreted as uncertain in ClinVar (Variation ID: 2104617). Statistical evidence in gnomAD suggests the CACNA1D gene is intolerant of missense variation. At this time, the clinical significance of this variant is uncertain due to the absence of conclusive functional and genetic evidence.

Labcorp Genetics (formerly Invitae), Labcorp
Classification: Uncertain significance. Last evaluated: 2022-05-17. Review status: criteria provided, single submitter. Criteria: Invitae Variant Classification Sherloc (09022015). Collection method: clinical testing. Allele origin: germline.
Comment: In summary, the available evidence is currently insufficient to determine the role of this variant in disease. Therefore, it has been classified as a Variant of Uncertain Significance. This sequence change replaces asparagine, which is neutral and polar, with histidine, which is basic and polar, at codon 566 of the CACNA1D protein (p.Asn566His). Algorithms developed to predict the effect of missense changes on protein structure and function are either unavailable or do not agree on the potential impact of this missense change (SIFT: "Deleterious"; PolyPhen-2: "Possibly Damaging"; Align-GVGD: "Class C0"). This variant has not been reported in the literature in individuals affected with CACNA1D-related conditions. This variant is not present in population databases (gnomAD no frequency).